The following is an entry in ClinVar:

ClinVar aggregate classification (germline): Uncertain significance (1 of 4 stars; one submission).

Allele frequency attached by ClinVar (database versions not stated): gnomAD exomes below 0.00001.
gnomAD v4.1: 1 of 1,210,482 alleles (0.000083%); highest among the groups gnomAD compares: Non-Finnish European, 0.00011%; no homozygotes.

Submission:

CeGaT Center for Human Genetics Tuebingen
Classification: Uncertain significance. Last evaluated: 2024-02-01. Review status: criteria provided, single submitter. Criteria: CeGaT Center For Human Genetics Tuebingen Variant Classification Criteria Version 2. Collection method: clinical testing. Allele origin: germline. Affected: yes. Observed: 1 variant allele.
Comment: SH3KBP1: PM2

NM_031892.3(SH3KBP1):c.544G>A (p.Glu182Lys)

Gene: SH3KBP1 (SH3 domain containing kinase binding protein 1; minus strand). Cytogenetic location: Xp22.12.
Variant type: single nucleotide variant.
Coding change: c.544G>A on transcript NM_031892.3 (MANE Select); coding-DNA position 544, G replaced by A.
Protein change: p.Glu182Lys; replaces glutamic acid 182 with lysine.
Molecular consequence: missense variant.
Genome position (GRCh38, 1-based): chrX:19,684,005, C>T on the plus strand (G>A on the coding strand, the complement: SH3KBP1 is on the minus strand). VCF-style: chrX-19684005-C-T. GRCh37 (hg19) VCF-style: chrX-19702123-C-T.
Other names: c.619G>A, p.Glu207Lys (NM_001353891.2, NM_001353892.2); c.442G>A, p.Glu148Lys (NM_001353893.2, NM_001353894.2); c.499G>A, p.Glu167Lys (NM_001353895.2); c.676G>A, p.Glu226Lys (NM_001410756.1, NM_001410757.1); c.367G>A, p.Glu123Lys (NM_001410758.1); c.433G>A, p.Glu145Lys (NM_001024666.3); c.544G>A, p.Glu182Lys (NM_001353890.2); short protein forms E123K, E145K, E148K, E167K, E182K, E207K, E226K.
Identifiers: ClinVar variation 3026542 (VCV003026542.22), dbSNP rs2520289772, ClinGen allele CA412498034.
Genomic context (GRCh38, chrX:19,684,005, plus strand): 5'-TTGCCACTGTCCCGTTGGCACCTTCAGACTTGGTGCTGCTTGAGTCACCCCCATCACTCT[C>T]GGAGCCTGTGGTTTCCCTTAAACCTGTCAAGAGTGGGGATGGGGAGAGAAAGAGCTCAGA-3'
Protein context (NP_114098.1, residues 172-192): KSSLRETTGS[Glu182Lys]SDGGDSSSTK